The following is an entry in ClinVar:

ClinVar aggregate classification (germline): Uncertain significance (1 of 4 stars; one submission).

gnomAD v4.1: 1 of 1,614,164 alleles (0.000062%); highest among the groups gnomAD compares: Non-Finnish European, 0.000085%; no homozygotes.

Submission:

Labcorp Genetics (formerly Invitae), Labcorp
Classification: Uncertain significance. Last evaluated: 2025-05-07. Review status: criteria provided, single submitter. Criteria: Invitae Variant Classification Sherloc (09022015). Collection method: clinical testing. Allele origin: germline.
Comment: This sequence change replaces valine, which is neutral and non-polar, with isoleucine, which is neutral and non-polar, at codon 322 of the FH protein (p.Val322Ile). This variant is not present in population databases (gnomAD no frequency). This variant has not been reported in the literature in individuals affected with FH-related conditions. ClinVar contains an entry for this variant (Variation ID: 3632898). Invitae Evidence Modeling of protein sequence and biophysical properties (such as structural, functional, and spatial information, amino acid conservation, physicochemical variation, residue mobility, and thermodynamic stability) has been performed for this missense variant. However, the output from this modeling did not meet the statistical confidence thresholds required to predict the impact of this variant on FH protein function. In summary, the available evidence is currently insufficient to determine the role of this variant in disease. Therefore, it has been classified as a Variant of Uncertain Significance.

NM_000143.4(FH):c.964G>A (p.Val322Ile)

Gene: FH (fumarate hydratase; minus strand). Cytogenetic location: 1q43.
Variant type: single nucleotide variant.
Coding change: c.964G>A on transcript NM_000143.4 (MANE Select); coding-DNA position 964, G replaced by A.
Protein change: p.Val322Ile; replaces valine 322 with isoleucine.
Molecular consequence: missense variant.
Genome position (GRCh38, 1-based): chr1:241,504,186, C>T on the plus strand (G>A on the coding strand, the complement: FH is on the minus strand). VCF-style: chr1-241504186-C-T. GRCh37 (hg19) VCF-style: chr1-241667486-C-T.
Other names: short protein forms V322I.
Identifiers: ClinVar variation 3632898 (VCV003632898.2).